The following is an entry in ClinVar:

NM_005630.3(SLCO2A1):c.270C>G (p.Tyr90Ter)

Gene: SLCO2A1 (solute carrier organic anion transporter family member 2A1; minus strand). Cytogenetic location: 3q22.1.
Variant type: single nucleotide variant.
Coding change: c.270C>G on transcript NM_005630.3 (MANE Select); coding-DNA position 270, C replaced by G.
Protein change: p.Tyr90Ter; replaces tyrosine 90 with a stop codon.
Molecular consequence: nonsense.
Genome position (GRCh38, 1-based): chr3:133,973,790, G>C on the plus strand (C>G on the coding strand, the complement: SLCO2A1 is on the minus strand). VCF-style: chr3-133973790-G-C. GRCh37 (hg19) VCF-style: chr3-133692634-G-C.
Other names: short protein forms Y90*.
Identifiers: ClinVar variation 620392 (VCV000620392.3), dbSNP rs1381150705, ClinGen allele CA354620437.

ClinVar aggregate classification (germline): Pathogenic (1 of 4 stars; one submission).

Allele frequency attached by ClinVar (database versions not stated): gnomAD exomes below 0.00001; TOPMed below 0.00001; gnomAD 0.00001.
gnomAD v4.1: 2 of 1,613,856 alleles (0.00012%); highest among the groups gnomAD compares: Non-Finnish European, 0.00017%; no homozygotes.

Submission:

GeneDx
Classification: Pathogenic. Last evaluated: 2020-12-07. Review status: criteria provided, single submitter. Criteria: GeneDx Variant Classification Process June 2021. Collection method: clinical testing. Allele origin: germline. Affected: yes.
Comment: Nonsense variant predicted to result in protein truncation or nonsense mediated decay in a gene for which loss-of-function is a known mechanism of disease; Not observed in large population cohorts (Lek et al., 2016); Has not been previously published as pathogenic or benign to our knowledge